The following is an entry in ClinVar:

NM_005120.3(MED12):c.658G>C (p.Gly220Arg)

Gene: MED12 (mediator complex subunit 12; plus strand). Cytogenetic location: Xq13.1.
Variant type: single nucleotide variant.
Coding change: c.658G>C on transcript NM_005120.3 (MANE Select); coding-DNA position 658, G replaced by C.
Protein change: p.Gly220Arg; replaces glycine 220 with arginine.
Molecular consequence: missense variant.
Genome position (GRCh38, 1-based): chrX:71,121,075, G>C. VCF-style: chrX-71121075-G-C. GRCh37 (hg19) VCF-style: chrX-70340925-G-C.
Other names: short protein forms G220R.
Identifiers: ClinVar variation 1053018 (VCV001053018.9), dbSNP rs2147777706, ClinGen allele CA413500841.
Genomic context (GRCh38, chrX:71,121,075, plus strand): 5'-AAGATGGCTGAATACTACCGGCCAGGGCCTGCAGGAAGTGGGGGCTGTGGTTCCACGATA[G>C]GGCCCTTGCCCCATGATGTAGAGGTGGCAATCCGGCAGTGGGATTACACCGAGAAGCTGG-3'
Protein context (NP_005111.2, residues 210-230): AGSGGCGSTI[Gly220Arg]PLPHDVEVAI

ClinVar aggregate classification (germline): Uncertain significance (1 of 4 stars; one submission).

Conditions:
FG syndrome (FGS). Identifiers: MedGen C0220769, MONDO:0002010.

Submission:

Labcorp Genetics (formerly Invitae), Labcorp
Classification: Uncertain significance for FG syndrome. Last evaluated: 2020-07-07. Review status: criteria provided, single submitter. Criteria: Invitae Variant Classification Sherloc (09022015). Collection method: clinical testing. Allele origin: germline.
Comment: This sequence change replaces glycine with arginine at codon 220 of the MED12 protein (p.Gly220Arg). The glycine residue is highly conserved and there is a moderate physicochemical difference between glycine and arginine. This variant is not present in population databases (ExAC no frequency). In summary, the available evidence is currently insufficient to determine the role of this variant in disease. Therefore, it has been classified as a Variant of Uncertain Significance. Algorithms developed to predict the effect of missense changes on protein structure and function are either unavailable or do not agree on the potential impact of this missense change (SIFT: "Deleterious"; PolyPhen-2: "Benign"; Align-GVGD: "Class C25"). This variant has not been reported in the literature in individuals with MED12-related conditions.